The following is an entry in ClinVar:

NM_001134673.4(NFIA):c.373A>G (p.Lys125Glu)

Gene: NFIA (nuclear factor I A; plus strand). Cytogenetic location: 1p31.3.
Variant type: single nucleotide variant.
Coding change: c.373A>G on transcript NM_001134673.4 (MANE Select); coding-DNA position 373, A replaced by G.
Protein change: p.Lys125Glu; replaces lysine 125 with glutamic acid.
Molecular consequence: missense variant.
Genome position (GRCh38, 1-based): chr1:61,088,494, A>G. VCF-style: chr1-61088494-A-G. GRCh37 (hg19) VCF-style: chr1-61554166-A-G.
Other names: c.349A>G, p.Lys117Glu (NM_001145511.2); c.508A>G, p.Lys170Glu (NM_001145512.2); c.373A>G, p.Lys125Glu (NM_005595.5); c.373A>G (NM_005595.4); short protein forms K117E, K125E, K170E.
Identifiers: ClinVar variation 617624 (VCV000617624.3), dbSNP rs769522583, ClinGen allele CA880936.

ClinVar aggregate classification (germline): Pathogenic. Review status: criteria provided, single submitter (1 of 4 stars). 2 submissions from 2 submitters: Pathogenic (1). 1 of the submissions does not count toward it. Last evaluated 2023-12-24.

Conditions:
Chromosome 1p32-p31 deletion syndrome. Identifiers: Orphanet 401986, MedGen C4707828, MONDO:0013396.

Allele frequency attached by ClinVar (database versions not stated): ExAC 0.00001.

Submissions (2):

GeneDx
Classification: Pathogenic. Last evaluated: 2023-12-24. Review status: criteria provided, single submitter. Criteria: GeneDx Variant Classification Process June 2021. Collection method: clinical testing. Allele origin: germline. Affected: yes.
Comment: Not observed at significant frequency in large population cohorts (gnomAD); Published functional studies demonstrate a loss-of-function effect (PMID: 33973697); In silico analysis supports that this missense variant has a deleterious effect on protein structure/function; This variant is associated with the following publications: (PMID: 35131284, 34089226, 33258288, 33973697, 36553517, 30377382, 35032046)

The Raphael Recanati Genetics Institute, Rabin Medical Center
Classification: Likely pathogenic for Brain malformations with or without urinary tract defects. Last evaluated: 2018-09-13. Review status: no assertion criteria provided. Collection method: clinical testing. Allele origin: de novo. Affected: yes. Observed: 1 variant allele. Not counted in ClinVar's aggregate classification.
Comment: AD de novo